The following is an entry in ClinVar:

ClinVar aggregate classification (germline): Conflicting classifications of pathogenicity. Review status: criteria provided, conflicting classifications (1 of 4 stars). 2 submissions from 2 submitters: Uncertain significance (1); Likely benign (1). Last evaluated 2025-08-29.

Conditions:
ATP11A-related disorder. Also called: ATP11A-related condition.

Allele frequency attached by ClinVar (database versions not stated): TOPMed 0.00003; gnomAD 0.00005; ExAC 0.00007; 1000 Genomes Project 30x 0.00016; 1000 Genomes Project 0.00020.
gnomAD v4.1: 43 of 1,614,150 alleles (0.0027%); highest among the groups gnomAD compares: East Asian, 0.042%; no homozygotes.

Submissions (2):

PreventionGenetics, part of Exact Sciences
Classification: Likely benign for ATP11A-related condition. Last evaluated: 2025-08-29. Review status: criteria provided, single submitter. Criteria: ACMG Guidelines, 2015. Collection method: clinical testing. Allele origin: germline.
Comment: This variant is classified as likely benign based on ACMG/AMP sequence variant interpretation guidelines (Richards et al. 2015 PMID: 25741868, with internal and published modifications).

CeGaT Center for Human Genetics Tuebingen
Classification: Uncertain significance. Last evaluated: 2024-02-01. Review status: criteria provided, single submitter. Criteria: CeGaT Center For Human Genetics Tuebingen Variant Classification Criteria Version 2. Collection method: clinical testing. Allele origin: germline. Affected: yes. Observed: 1 variant allele.

NM_015205.3(ATP11A):c.3017C>T (p.Thr1006Met)

Gene: ATP11A (ATPase phospholipid transporting 11A; plus strand). Cytogenetic location: 13q34.
Variant type: single nucleotide variant.
Coding change: c.3017C>T on transcript NM_015205.3 (MANE Select); coding-DNA position 3017, C replaced by T.
Protein change: p.Thr1006Met; replaces threonine 1006 with methionine.
Molecular consequence: missense variant.
Genome position (GRCh38, 1-based): chr13:112,871,760, C>T. VCF-style: chr13-112871760-C-T. GRCh37 (hg19) VCF-style: chr13-113526074-C-T.
Other names: c.3017C>T, p.Thr1006Met (NM_001405661.1, NM_001405662.1, NM_001405663.1 and 1 more transcripts); c.3017C>T (NM_032189.3); short protein forms T1006M.
Identifiers: ClinVar variation 3026470 (VCV003026470.23), dbSNP rs551993113, ClinGen allele CA7057411.
Genomic context (GRCh38, chr13:112,871,760, plus strand): 5'-AAAACGAGATGACTTGGACTATTTTCCCCAAACAGATATTTGGAAACTGGACGTTTGGAA[C>T]GCTGGTATTCACCGTGATGGTGTTCACAGTTACACTAAAGGTAAGTGGTCTCGCGCTCAC-3'
Protein context (NP_056020.2, residues 996-1016): GQIFGNWTFG[Thr1006Met]LVFTVMVFTV